The following is an entry in ClinVar:

NM_024675.4(PALB2):c.1121T>G (p.Ile374Ser)

Gene: PALB2 (partner and localizer of BRCA2; minus strand). Cytogenetic location: 16p12.2.
Variant type: single nucleotide variant.
Coding change: c.1121T>G on transcript NM_024675.4 (MANE Select); coding-DNA position 1121, T replaced by G.
Protein change: p.Ile374Ser; replaces isoleucine 374 with serine.
Molecular consequence: missense variant. On other transcripts: intron variant (3).
Genome position (GRCh38, 1-based): chr16:23,635,425, A>C on the plus strand (T>G on the coding strand, the complement: PALB2 is on the minus strand). VCF-style: chr16-23635425-A-C. GRCh37 (hg19) VCF-style: chr16-23646746-A-C.
Other names: c.1061T>G, p.Ile354Ser (NM_001407296.1); c.1121T>G, p.Ile374Ser (NM_001407297.1, NM_001407298.1, NM_001407299.1 and 3 more transcripts); c.236T>G, p.Ile79Ser (NM_001407304.1, NM_001407305.1, NM_001407306.1 and 5 more transcripts); c.48+5685T>G (NM_001407314.1); c.-104-4956T>G (NM_001407313.1, NM_001407312.1); short protein forms I374S, I354S, I79S.
Identifiers: ClinVar variation 3927446 (VCV003927446.1).

ClinVar aggregate classification (germline): Uncertain significance (1 of 4 stars; one submission).

Conditions:
Hereditary cancer-predisposing syndrome. Also called: Hereditary Cancer Syndrome; Hereditary neoplastic syndrome; Neoplastic Syndromes, Hereditary; Tumor predisposition. Identifiers: Orphanet 140162, MedGen C0027672, MeSH D009386, MONDO:0015356.

Submission:

Ambry Genetics
Classification: Uncertain significance for Hereditary cancer-predisposing syndrome. Last evaluated: 2025-05-15. Review status: criteria provided, single submitter. Criteria: Ambry Variant Classification Scheme 2023. Collection method: clinical testing. Allele origin: germline.
Comment: The p.I374S variant (also known as c.1121T>G), located in coding exon 4 of the PALB2 gene, results from a T to G substitution at nucleotide position 1121. The isoleucine at codon 374 is replaced by serine, an amino acid with dissimilar properties. This amino acid position is conserved. In addition, this alteration is predicted to be tolerated by in silico analysis. Based on the available evidence, the clinical significance of this variant remains unclear.